The following is an entry in ClinVar:

NM_014521.3(SH3BP4):c.162C>T (p.Phe54=)

Gene: SH3BP4 (SH3 domain binding protein 4; plus strand). Cytogenetic location: 2q37.2.
Variant type: single nucleotide variant.
Coding change: c.162C>T on transcript NM_014521.3 (MANE Select); coding-DNA position 162, C replaced by T.
Protein change: p.Phe54=; no amino-acid change (phenylalanine 54 retained).
Molecular consequence: synonymous variant.
Genome position (GRCh38, 1-based): chr2:235,040,931, C>T. VCF-style: chr2-235040931-C-T. GRCh37 (hg19) VCF-style: chr2-235949575-C-T.
Other names: c.162C>T, p.Phe54= (NM_001371302.1, NM_001371303.1, NM_001371304.1 and 2 more transcripts).
Identifiers: ClinVar variation 2652030 (VCV002652030.24), dbSNP rs148473816, ClinGen allele CA2183500.

ClinVar aggregate classification (germline): Likely benign (1 of 4 stars; one submission).

Allele frequency attached by ClinVar (database versions not stated): 1000 Genomes Project 30x 0.00031; 1000 Genomes Project 0.00040; ESP Exome Variant Server 0.00077; TOPMed 0.00087; gnomAD exomes 0.00113; gnomAD 0.00118; ExAC 0.00148.
gnomAD v4.1: 1,850 of 1,614,032 alleles (0.11%); highest among the groups gnomAD compares: Non-Finnish European, 0.13%; 3 homozygotes.

Submission:

CeGaT Center for Human Genetics Tuebingen
Classification: Likely benign. Last evaluated: 2023-12-01. Review status: criteria provided, single submitter. Criteria: CeGaT Center For Human Genetics Tuebingen Variant Classification Criteria Version 2. Collection method: clinical testing. Allele origin: germline. Affected: yes. Observed: 3 variant alleles.
Comment: SH3BP4: BP4, BP7